The following is an entry in ClinVar:

NM_000132.4(F8):c.4925A>G (p.Glu1642Gly)

Gene: F8 (coagulation factor VIII; minus strand). Cytogenetic location: Xq28.
Variant type: single nucleotide variant.
Coding change: c.4925A>G on transcript NM_000132.4 (MANE Select); coding-DNA position 4925, A replaced by G.
Protein change: p.Glu1642Gly; replaces glutamic acid 1642 with glycine.
Molecular consequence: missense variant.
Genome position (GRCh38, 1-based): chrX:154,928,865, T>C on the plus strand (A>G on the coding strand, the complement: F8 is on the minus strand). VCF-style: chrX-154928865-T-C. GRCh37 (hg19) VCF-style: chrX-154157140-T-C.
Other names: short protein forms E1642G.
Identifiers: ClinVar variation 5010153 (VCV005010153.1).

ClinVar aggregate classification (germline): Uncertain significance (1 of 4 stars; one submission).

Conditions:
Hereditary factor VIII deficiency disease (HEMA). Also called: AUTOSOMAL HEMOPHILIA A; Hemophilia A; Hemophilia A, congenital; HEM A; Factor 8 deficiency, congenital; HEMOPHILIA, CLASSIC. Identifiers: Orphanet 98878, MedGen C0019069, MONDO:0010602, OMIM 306700.

gnomAD v4.1: 11 of 1,210,108 alleles (0.00091%); highest among the groups gnomAD compares: East Asian, 0.003%; no homozygotes.

Submission:

Myriad Genetics, Inc.
Classification: Uncertain significance for Hereditary factor VIII deficiency disease. Last evaluated: 2026-05-27. Review status: criteria provided, single submitter. Criteria: Myriad Autosomal Dominant, Autosomal Recessive and X-Linked Classification Criteria (2023). Collection method: clinical testing. Allele origin: unknown.
Comment: NM_000132.3(F8):c.4925A>G(E1642G) is a missense variant classified as a variant of uncertain significance in the context of hemophilia A. E1642G has been observed in cases with relevant disease (PMID: 24719712, 35014236). Relevant functional assessments of this variant are not available in the literature. E1642G has been observed in referenced population frequency databases. In summary, there is insufficient evidence to classify NM_000132.3(F8):c.4925A>G(E1642G) as pathogenic or benign. Please note: this variant was assessed in the context of healthy population screening.

Literature cited by the submitters: PubMed 24719712; PubMed 35014236.